The following is an entry in ClinVar:

ClinVar aggregate classification (germline): Uncertain significance. Review status: criteria provided, multiple submitters, no conflicts (2 of 4 stars). 2 submissions from 2 submitters: Uncertain significance (2). Last evaluated 2025-03-13.

Conditions:
CUL4B-related disorder. Also called: CUL4B-related condition.

Submissions (2):

PreventionGenetics, part of Exact Sciences
Classification: Uncertain significance for CUL4B-related condition. Last evaluated: 2025-03-13. Review status: criteria provided, single submitter. Criteria: ACMG Guidelines, 2015. Collection method: clinical testing. Allele origin: germline.
Comment: The CUL4B c.342_357delinsT variant is predicted to result in an in-frame deletion and insertion. To our knowledge, this variant has not been reported in the literature or in a large population database (gnomAD), indicating this variant is rare. At this time, the clinical significance of this variant is uncertain due to the absence of conclusive functional and genetic evidence.

Athena Diagnostics
Classification: Uncertain significance. Last evaluated: 2017-11-22. Review status: criteria provided, single submitter. Criteria: Athena Diagnostics Criteria. Collection method: clinical testing. Allele origin: germline.

NM_001079872.2(CUL4B):c.288_303delinsT (p.Ile97_Leu101del)

Genes: CUL4B (cullin 4B; minus strand), LOC113845788 (Sharpr-MPRA regulatory region 11856; plus strand). Cytogenetic location: Xq24.
Variant type: Indel.
Coding change: c.288_303delinsT on transcript NM_001079872.2 (MANE Select); coding-DNA positions 288 to 303, GATACAGAAGAAGCTG replaced by T.
Protein change: p.Ile97_Leu101del.
Molecular consequence: inframe deletion.
Genome position (GRCh38, 1-based): chrX:120,560,336-120,560,351, CAGCTTCTTCTGTATC replaced by A on the plus strand (GATACAGAAGAAGCTG replaced by T on the coding strand, the reverse complement: CUL4B is on the minus strand). VCF-style: chrX-120560336-CAGCTTCTTCTGTATC-A. GRCh37 (hg19) VCF-style: chrX-119694191-CAGCTTCTTCTGTATC-A.
Other names: c.303_318delinsT, p.Ile102_Leu106del (NM_001330624.2); c.342_357delinsT, p.Ile115_Leu119del (NM_003588.4).
Identifiers: ClinVar variation 585737 (VCV000585737.2), dbSNP rs996678112, ClinGen allele CA891843767.